The following continues an entry in ClinVar:

NM_000782.5(CYP24A1):c.425AAG[1] (p.Glu143del)

Gene: CYP24A1. ClinVar aggregate classification (germline): Pathogenic. Pathogenic (15).

Submissions 13 to 16 of 16:

Women's Health and Genetics/Laboratory Corporation of America, LabCorp
Classification: Pathogenic for Hypercalcemia, infantile, 1. Last evaluated: 2023-02-23. Review status: criteria provided, single submitter. Criteria: LabCorp Variant Classification Summary - May 2015. Collection method: clinical testing. Allele origin: germline.
Comment: Variant summary: CYP24A1 c.428_430delAAG (p.Glu143del) results in an in-frame deletion that is predicted to remove one amino acid from the encoded protein. The variant allele was found at a frequency of 0.00053 in 251266 control chromosomes in the gnomAD database, including 1 homozygotes. c.428_430delAAG has been reported in the literature in multiple individuals affected with infantile hypercalcemia or adult hypercalcemia. These data indicate that the variant is very likely to be associated with disease. At least one publication reports experimental evidence evaluating an impact on protein function and showed that this variant resulted in ablation of CYP24A1 catabolic activity (Schlingmann_2011). Five clinical diagnostic laboratories have submitted clinical-significance assessments for this variant to ClinVar after 2014 without evidence for independent evaluation (pathogenic/likely pathogenic n=4, VUS n=1). Based on the evidence outlined above, the variant was classified as pathogenic.

Molecular Diagnostics Lab, Nemours Children's Health, Delaware
Classification: Pathogenic. Last evaluated: 2021-07-20. Review status: criteria provided, single submitter. Criteria: ACMG Guidelines, 2015. Collection method: clinical testing. Allele origin: biparental, unknown. Inheritance: Autosomal recessive inheritance. Affected: yes. Observed: 5 variant alleles. Clinical features observed: nephrolithiasis.

Illumina Laboratory Services, Illumina
Classification: Pathogenic for Hypercalcemia, infantile, 1. Last evaluated: 2017-04-27. Review status: criteria provided, single submitter. Criteria: ICSL Variant Classification Criteria 09 May 2019. Collection method: clinical testing. Allele origin: germline.
Comment: The CYP24A1 c.428_430delAAG (p.Glu143del) variant is an in-frame deletion variant that is reported often in the literature. Across 14 studies, the variant was identified in a total of 25 individuals with infantile hypercalcemia, including 12 homozygotes and 13 compound heterozygotes, and in eight unaffected heterozygous family members of affected individuals (Schlingmann et al. 2011; Streeten et al. 2011; Dauber et al. 2012; Nesterova et al. 2013; Dinour et al. 2013; Wolf et al. 2014; Jacobs et al 2014; Dowen et al. 2014; Dinour et al. 2015; Figueres et al. 2015; Shah et al. 2015; Jobst-Schwan et al. 2015; Braun et al. 2016; Gigante et al. 2016). Segregation analysis was compatible with autosomal recessive inheritance. The variant was absent from at least 204 control alleles and is reported at a frequency of 0.00218 in the European American population of the Exome Sequencing Project. Functional studies in V79-4 Chinese hamster lung fibroblast cells showed that the p.Glu143del variant resulted in ablation of CYP24A1 catabolic activity (Schlingmann et al. 2011). Based on the collective evidence, the p.Glu143del variant is classified as pathogenic for infantile hypercalcemia. This variant was observed by ICSL as part of a predisposition screen in an ostensibly healthy population.

OMIM
Classification: Pathogenic for HYPERCALCEMIA, INFANTILE, 1. Last evaluated: 2011-11-03. Review status: no assertion criteria provided. Collection method: literature only. Allele origin: germline. Not counted in ClinVar's aggregate classification.

Literature cited by the submitters: PubMed 21675912 (cited by 7 submitters); PubMed 22047572 (cited by 3 submitters); PubMed 22112808 (cited by 3 submitters); PubMed 23293122 (cited by Labcorp Genetics (formerly Invitae), Labcorp and Illumina Laboratory Services, Illumina); PubMed 23470222 (cited by Labcorp Genetics (formerly Invitae), Labcorp and Illumina Laboratory Services, Illumina); PubMed 24423361 (cited by 3 submitters); PubMed 24875559 (cited by Labcorp Genetics (formerly Invitae), Labcorp and Illumina Laboratory Services, Illumina); PubMed 25194629 (cited by 3 submitters); PubMed 26097993 (cited by Labcorp Genetics (formerly Invitae), Labcorp and Illumina Laboratory Services, Illumina); PubMed 26304832 (cited by 4 submitters); PubMed 26787776 (cited by Labcorp Genetics (formerly Invitae), Labcorp and Illumina Laboratory Services, Illumina); PubMed 26846157 (cited by Labcorp Genetics (formerly Invitae), Labcorp); PubMed 27394135 (cited by 3 submitters); PubMed 27639704 (cited by Labcorp Genetics (formerly Invitae), Labcorp); PubMed 40794449 (cited by Rare Kidney Stone Consortium and the Mayo Clinic Hyperoxaluria Center, Mayo Clinic); PubMed 34125233 (cited by Department of Genomic Medicine, Clinical Hospital Center Rijeka, Croatia and Molecular Genetics, Royal Melbourne Hospital); PubMed 34858904 (cited by Department of Genomic Medicine, Clinical Hospital Center Rijeka, Croatia and Molecular Genetics, Royal Melbourne Hospital); PubMed 33099630 (cited by Department of Genomic Medicine, Clinical Hospital Center Rijeka, Croatia and Molecular Genetics, Royal Melbourne Hospital); PubMed 34307984 (cited by Molecular Genetics, Royal Melbourne Hospital); PubMed 34551392 (cited by Molecular Genetics, Royal Melbourne Hospital); PubMed 28844334 (cited by Molecular Diagnostics Lab, Nemours Children's Health, Delaware); PubMed 25446019 (cited by Illumina Laboratory Services, Illumina); PubMed 24518185 (cited by Illumina Laboratory Services, Illumina).